The following is an entry in ClinVar:

ClinVar aggregate classification (germline): Uncertain significance. Review status: criteria provided, multiple submitters, no conflicts (2 of 4 stars). 2 submissions from 2 submitters: Uncertain significance (2). Last evaluated 2024-10-24.

Conditions:
Mitochondrial complex II deficiency, nuclear type 1. Also called: SUCCINATE CoQ REDUCTASE DEFICIENCY. Identifiers: Orphanet 3208, MedGen C5700310, MONDO:0100294, OMIM 252011.
Pheochromocytoma/paraganglioma syndrome 5. Also called: Paragangliomas 5; SDHA-Related Hereditary Paraganglioma-Pheochromocytoma Syndrome. Identifiers: Orphanet 29072, MedGen C3279992, MONDO:0013602, OMIM 614165.
Hereditary cancer-predisposing syndrome. Also called: Neoplastic Syndromes, Hereditary; Hereditary Cancer Syndrome; Hereditary neoplastic syndrome; Tumor predisposition. Identifiers: Orphanet 140162, MedGen C0027672, MeSH D009386, MONDO:0015356.

Allele frequency attached by ClinVar (database versions not stated): gnomAD 0.00001; TOPMed 0.00001.

Submissions (2):

Ambry Genetics
Classification: Uncertain significance for Hereditary cancer-predisposing syndrome. Last evaluated: 2024-10-24. Review status: criteria provided, single submitter. Criteria: Ambry Variant Classification Scheme 2023. Collection method: clinical testing. Allele origin: germline.
Comment: The p.N487H variant (also known as c.1459A>C), located in coding exon 11 of the SDHA gene, results from an A to C substitution at nucleotide position 1459. The asparagine at codon 487 is replaced by histidine, an amino acid with similar properties. This amino acid position is well conserved in available vertebrate species. In addition, this alteration is predicted to be tolerated by in silico analysis. Since supporting evidence is limited at this time, the clinical significance of this alteration remains unclear.

Labcorp Genetics (formerly Invitae), Labcorp
Classification: Uncertain significance for Pheochromocytoma/paraganglioma syndrome 5; Mitochondrial complex II deficiency, nuclear type 1. Last evaluated: 2024-07-26. Review status: criteria provided, single submitter. Criteria: Invitae Variant Classification Sherloc (09022015). Collection method: clinical testing. Allele origin: germline.
Comment: This sequence change replaces asparagine, which is neutral and polar, with histidine, which is basic and polar, at codon 487 of the SDHA protein (p.Asn487His). This variant is not present in population databases (gnomAD no frequency). This variant has not been reported in the literature in individuals affected with SDHA-related conditions. ClinVar contains an entry for this variant (Variation ID: 1489921). Advanced modeling of protein sequence and biophysical properties (such as structural, functional, and spatial information, amino acid conservation, physicochemical variation, residue mobility, and thermodynamic stability) performed at Invitae indicates that this missense variant is not expected to disrupt SDHA protein function with a negative predictive value of 95%. In summary, the available evidence is currently insufficient to determine the role of this variant in disease. Therefore, it has been classified as a Variant of Uncertain Significance.

NM_004168.4(SDHA):c.1459A>C (p.Asn487His)

Gene: SDHA (succinate dehydrogenase complex flavoprotein subunit A; plus strand). Cytogenetic location: 5p15.33.
Variant type: single nucleotide variant.
Coding change: c.1459A>C on transcript NM_004168.4 (MANE Select); coding-DNA position 1459, A replaced by C.
Protein change: p.Asn487His; replaces asparagine 487 with histidine.
Molecular consequence: missense variant.
Genome position (GRCh38, 1-based): chr5:240,384, A>C. VCF-style: chr5-240384-A-C. GRCh37 (hg19) VCF-style: chr5-240499-A-C.
Other names: c.1315A>C, p.Asn439His (NM_001294332.2); c.1459A>C, p.Asn487His (NM_001330758.2); short protein forms N439H, N487H.
Identifiers: ClinVar variation 1489921 (VCV001489921.11), dbSNP rs1208182306, ClinGen allele CA359014210.